The following is an entry in ClinVar:

NM_001009999.3(KDM1A):c.2368G>A (p.Ala790Thr)

Gene: KDM1A (lysine demethylase 1A; plus strand). Cytogenetic location: 1p36.12.
Variant type: single nucleotide variant.
Coding change: c.2368G>A on transcript NM_001009999.3 (MANE Select); coding-DNA position 2368, G replaced by A.
Protein change: p.Ala790Thr; replaces alanine 790 with threonine.
Molecular consequence: missense variant.
Genome position (GRCh38, 1-based): chr1:23,082,289, G>A. VCF-style: chr1-23082289-G-A. GRCh37 (hg19) VCF-style: chr1-23408782-G-A.
Other names: c.2314G>A, p.Ala772Thr (NM_001363654.2); c.2374G>A, p.Ala792Thr (NM_001410762.1); c.2296G>A, p.Ala766Thr (NM_001410763.1, NM_015013.4); short protein forms A766T, A772T, A792T, A790T.
Identifiers: ClinVar variation 4042082 (VCV004042082.1).
Genomic context (GRCh38, chr1:23,082,289, plus strand): 5'-ACTGTGGTGTCTCGTTGGCGTGCTGATCCCTGGGCTCGGGGCTCTTATTCCTATGTTGCT[G>A]CAGGATCATCTGGAAATGACTATGATTTAATGGCTCAGCCAATCACTCCTGGCCCCTCGA-3'
Protein context (NP_001009999.1, residues 780-800): WARGSYSYVA[Ala790Thr]GSSGNDYDLM

ClinVar aggregate classification (germline): Uncertain significance (1 of 4 stars; one submission).

Conditions:
Inborn genetic diseases. Identifiers: MedGen C0950123, MeSH D030342.

Submission:

Ambry Genetics
Classification: Uncertain significance for Inborn genetic diseases. Last evaluated: 2025-04-04. Review status: criteria provided, single submitter. Criteria: Ambry Variant Classification Scheme 2023. Collection method: clinical testing. Allele origin: germline.
Comment: The p.A790T variant (also known as c.2368G>A), located in coding exon 20 of the KDM1A gene, results from a G to A substitution at nucleotide position 2368. The alanine at codon 790 is replaced by threonine, an amino acid with similar properties. This amino acid position is conserved. In addition, the in silico prediction for this alteration is inconclusive. Based on the available evidence, the clinical significance of this variant remains unclear.